The following is an entry in ClinVar:

ClinVar aggregate classification (germline): Uncertain significance (1 of 4 stars; one submission).

Conditions:
Osteogenesis imperfecta type I (OI1). Also called: Lobstein disease; OI, TYPE I; OSTEOGENESIS IMPERFECTA TARDA; OSTEOGENESIS IMPERFECTA WITH BLUE SCLERAE; Osteogenesis imperfecta type 1; Classic Non-deforming Osteogenesis Imperfecta with Blue Sclerae. Identifiers: Orphanet 216796, Orphanet 666, MedGen C0023931, MONDO:0008146, OMIM 166200. Disease mechanism: loss of function.

Submission:

Labcorp Genetics (formerly Invitae), Labcorp
Classification: Uncertain significance for Osteogenesis imperfecta type I. Last evaluated: 2022-04-19. Review status: criteria provided, single submitter. Criteria: Invitae Variant Classification Sherloc (09022015). Collection method: clinical testing. Allele origin: germline.
Comment: Variants that disrupt the consensus splice site are a relatively common cause of aberrant splicing (PMID: 17576681, 9536098). Algorithms developed to predict the effect of sequence changes on RNA splicing suggest that this variant may disrupt the consensus splice site. This variant has not been reported in the literature in individuals affected with COL1A1-related conditions. This variant is not present in population databases (gnomAD no frequency). This sequence change falls in intron 35 of the COL1A1 gene. It does not directly change the encoded amino acid sequence of the COL1A1 protein. It affects a nucleotide within the consensus splice site. In summary, the available evidence is currently insufficient to determine the role of this variant in disease. Therefore, it has been classified as a Variant of Uncertain Significance.

Literature cited by the submitters: PubMed 17576681; PubMed 9536098.

NM_000088.4(COL1A1):c.2451+6T>A

Gene: COL1A1 (collagen type I alpha 1 chain; minus strand). Cytogenetic location: 17q21.33.
Variant type: single nucleotide variant.
Coding change: c.2451+6T>A on transcript NM_000088.4 (MANE Select); 6 bases into the intron after coding-DNA position 2451, T replaced by A.
Molecular consequence: intron variant.
Genome position (GRCh38, 1-based): chr17:50,190,321, A>T on the plus strand (T>A on the coding strand, the complement: COL1A1 is on the minus strand). VCF-style: chr17-50190321-A-T. GRCh37 (hg19) VCF-style: chr17-48267682-A-T.
Identifiers: ClinVar variation 2115018 (VCV002115018.4), dbSNP rs2509190475, ClinGen allele CA2580094252.
Genomic context (GRCh38, chr17:50,190,321, plus strand): 5'-CATTCCGTCCCTCGAGGTCCCAGGTCCCAGTCGGTGATGAAAAATGATGGGGGTCTTGGT[A>T]CTCACAGGGGGGCCAGCAAAGCCAGCAGGGCCGGGGGGACCAGGCTCACCACGGTCTCCC-3'